The following is an entry in ClinVar:

NM_015338.6(ASXL1):c.4108G>A (p.Glu1370Lys)

Gene: ASXL1 (ASXL transcriptional regulator 1; plus strand). Cytogenetic location: 20q11.21.
Variant type: single nucleotide variant.
Coding change: c.4108G>A on transcript NM_015338.6 (MANE Select); coding-DNA position 4108, G replaced by A.
Protein change: p.Glu1370Lys; replaces glutamic acid 1370 with lysine.
Molecular consequence: missense variant.
Genome position (GRCh38, 1-based): chr20:32,436,820, G>A. VCF-style: chr20-32436820-G-A. GRCh37 (hg19) VCF-style: chr20-31024623-G-A.
Other names: c.3925G>A, p.Glu1309Lys (NM_001363734.1); short protein forms E1309K, E1370K.
Identifiers: ClinVar variation 3769721 (VCV003769721.1).

ClinVar aggregate classification (germline): Uncertain significance (1 of 4 stars; one submission).

gnomAD v4.1: 2 of 1,614,216 alleles (0.00012%); highest among the groups gnomAD compares: Non-Finnish European, 0.00017%; no homozygotes.

Submission:

GeneDx
Classification: Uncertain significance. Last evaluated: 2024-09-17. Review status: criteria provided, single submitter. Criteria: GeneDx Variant Classification Process June 2021. Collection method: clinical testing. Allele origin: germline. Affected: yes.
Comment: Not observed at significant frequency in large population cohorts (gnomAD); In silico analysis supports that this missense variant has a deleterious effect on protein structure/function; Has not been previously published as pathogenic or benign to our knowledge